The following is an entry in ClinVar:

GRCh38/hg38 17p11.2(chr17:16760818-20504849)x3

Genes: MAPK7 (mitogen-activated protein kinase 7; plus strand), MED9 (mediator complex subunit 9; plus strand), MFAP4 (microfibril associated protein 4; minus strand), MIEF2 (mitochondrial elongation factor 2; plus strand), MIR1180 (microRNA 1180; minus strand) and 247 more. Cytogenetic location: 17p11.2.
Variant type: copy number gain.
Change: copy number 3 (three copies instead of two) of chr17:16,760,818-20,504,849 (3.74 Mb, GRCh38 coordinates, 1-based), cytogenetic band 17p11.2.
Identifiers: ClinVar variation 58128 (VCV000058128.2).

ClinVar aggregate classification (germline): Pathogenic (1 of 4 stars; one submission).

Submission:

ISCA Site 6
Classification: Pathogenic. Last evaluated: 2011-08-12. Review status: criteria provided, single submitter. Criteria: Kaminsky et al. (Genet Med. 2011). Collection method: clinical testing. Allele origin: unknown. Affected: yes. Observed: 1 variant allele.
Comment: Copy number variation identified through the course of routine clinical cytogenomic testing in postnatal populations. Clinical assertions have been curated as described in Kaminsky et al. 2011.